The following is an entry in ClinVar:

ClinVar aggregate classification (germline): Uncertain significance (1 of 4 stars; one submission).

Submission:

GeneDx
Classification: Uncertain significance. Last evaluated: 2025-07-11. Review status: criteria provided, single submitter. Criteria: GeneDx Variant Classification Process June 2021. Collection method: clinical testing. Allele origin: germline. Affected: yes.
Comment: Not observed at significant frequency in large population cohorts (gnomAD); Has not been previously published as pathogenic or benign to our knowledge; Nucleotide is not conserved across species and the substitution has no predicted effect on splicing; Located in a regulatory region; in the absence of functional studies, the actual effect of this sequence change is unknown

NM_001080517.3(SETD5):c.-2T>C

Gene: SETD5 (SET domain containing 5; plus strand). Cytogenetic location: 3p25.3.
Variant type: single nucleotide variant.
Coding change: c.-2T>C on transcript NM_001080517.3 (MANE Select); 2 bases upstream of the start codon, T replaced by C.
Molecular consequence: 5 prime UTR variant.
Genome position (GRCh38, 1-based): chr3:9,428,937, T>C. VCF-style: chr3-9428937-T-C. GRCh37 (hg19) VCF-style: chr3-9470621-T-C.
Other names: c.-560T>C (NM_001292043.2); c.-601T>C (NM_001349451.2).
Identifiers: ClinVar variation 2505643 (VCV002505643.2), dbSNP rs1329991818, ClinGen allele CA540859325.